The following is an entry in ClinVar:

NM_001482.3(GATM):c.70-38G>T

Gene: GATM (glycine amidinotransferase; minus strand). Cytogenetic location: 15q21.1.
Variant type: single nucleotide variant.
Coding change: c.70-38G>T on transcript NM_001482.3 (MANE Select); 38 bases into the intron before coding-DNA position 70, G replaced by T.
Molecular consequence: intron variant.
Genome position (GRCh38, 1-based): chr15:45,376,857, C>A on the plus strand (G>T on the coding strand, the complement: GATM is on the minus strand). VCF-style: chr15-45376857-C-A. GRCh37 (hg19) VCF-style: chr15-45669055-C-A.
Other names: c.-318-38G>T (NM_001321015.2).
Identifiers: ClinVar variation 1291219 (VCV001291219.5), dbSNP rs12437840, ClinGen allele CA7543003.

ClinVar aggregate classification (germline): Benign. Review status: criteria provided, multiple submitters, no conflicts (2 of 4 stars). 3 submissions from 3 submitters: Benign (3). Last evaluated 2024-07-15.

Allele frequency attached by ClinVar (database versions not stated): ESP Exome Variant Server 0.27009; gnomAD exomes 0.29373 and 0.38412; gnomAD 0.30976 and 0.31898; TOPMed 0.33693; ExAC 0.38270; 1000 Genomes Project 30x 0.43239; 1000 Genomes Project 0.44309.
gnomAD v4.1: 459,121 of 1,545,680 alleles (30%); highest among the groups gnomAD compares: East Asian, 84%; 78,684 homozygotes.

Submissions (3):

Unidad de Genómica Garrahan, Hospital de Pediatría Garrahan
Classification: Benign. Last evaluated: 2024-07-15. Review status: criteria provided, single submitter. Criteria: ACMG Guidelines, 2015. Collection method: clinical testing. Allele origin: germline. Affected: no. Observed: 70 variant alleles.
Comment: This variant is classified as Benign based on local population frequency. This variant was detected in 75% of patients studied in a panel designed for Epileptic and Developmental Encephalopathy and Progressive Myoclonus Epilepsy. Number of patients: 70. Only high quality variants are reported.

GeneDx
Classification: Benign. Last evaluated: 2018-06-23. Review status: criteria provided, single submitter. Criteria: GeneDx Variant Classification Process June 2021. Collection method: clinical testing. Allele origin: germline. Affected: yes.

Breakthrough Genomics
Classification: Benign. Review status: criteria provided, single submitter. Criteria: ACMG Guidelines, 2015. Collection method: not provided. Allele origin: germline. Inheritance: Autosomal recessive inheritance. Affected: yes.